The following is an entry in ClinVar:

ClinVar aggregate classification (germline): Pathogenic (1 of 4 stars; one submission).

Conditions:
Neurofibromatosis, type 1 (NF1). Also called: NEUROFIBROMATOSIS, TYPE I, SOMATIC; VON RECKLINGHAUSEN DISEASE; Peripheral type neurofibromatosis; Neurofibromatosis, type I. Identifiers: Orphanet 636, MedGen C0027831, MONDO:0018975, OMIM 162200. Disease mechanism: loss of function.

Submission:

Labcorp Genetics (formerly Invitae), Labcorp
Classification: Pathogenic for Neurofibromatosis, type 1. Last evaluated: 2025-06-09. Review status: criteria provided, single submitter. Criteria: Invitae Variant Classification Sherloc (09022015). Collection method: clinical testing. Allele origin: germline.
Comment: This sequence change creates a premature translational stop signal (p.Ala95Leufs*8) in the NF1 gene. It is expected to result in an absent or disrupted protein product. Loss-of-function variants in NF1 are known to be pathogenic (PMID: 10712197, 23913538). This variant is not present in population databases (gnomAD no frequency). This variant has not been reported in the literature in individuals affected with NF1-related conditions. For these reasons, this variant has been classified as Pathogenic.

Literature cited by the submitters: PubMed 10712197; PubMed 23913538.

NM_001042492.3(NF1):c.280del (p.Ala95fs)

Gene: NF1 (neurofibromin 1; plus strand). Cytogenetic location: 17q11.2.
Variant type: Deletion.
Coding change: c.280del on transcript NM_001042492.3 (MANE Select); coding-DNA position 280, one base deleted (C; older notation c.280delC).
Protein change: p.Ala95fs; shifts the reading frame from alanine 95.
Molecular consequence: frameshift variant.
Genome position (GRCh38, 1-based): chr17:31,159,085, C deleted. VCF-style (leftmost placement, unchanged base first): chr17-31159084-TC-T. GRCh37 (hg19) VCF-style: chr17-29486102-TC-T.
Other names: c.280del, p.Ala95fs (NM_000267.4, NM_001128147.3); short protein forms A95fs.
Identifiers: ClinVar variation 4721013 (VCV004721013.1).